The following is an entry in ClinVar:

ClinVar aggregate classification (germline): Uncertain significance (1 of 4 stars; one submission).

Conditions:
Mitochondrial trifunctional protein deficiency. Identifiers: Orphanet 746, MedGen C1969443, MONDO:0012172.
Long chain 3-hydroxyacyl-CoA dehydrogenase deficiency. Also called: LCHAD Deficiency; Deficiency of long-chain 3-hydroxyacyl-coenzyme A dehydrogenase. Identifiers: Orphanet 5, MedGen C3711645, MONDO:0012173, OMIM 609016.

Submission:

Labcorp Genetics (formerly Invitae), Labcorp
Classification: Uncertain significance for Mitochondrial trifunctional protein deficiency; Long chain 3-hydroxyacyl-CoA dehydrogenase deficiency. Last evaluated: 2022-04-17. Review status: criteria provided, single submitter. Criteria: Invitae Variant Classification Sherloc (09022015). Collection method: clinical testing. Allele origin: germline.
Comment: This sequence change falls in intron 13 of the HADHA gene. It does not directly change the encoded amino acid sequence of the HADHA protein. It affects a nucleotide within the consensus splice site. This variant is not present in population databases (gnomAD no frequency). This variant has not been reported in the literature in individuals affected with HADHA-related conditions. Variants that disrupt the consensus splice site are a relatively common cause of aberrant splicing (PMID: 17576681, 9536098). Algorithms developed to predict the effect of sequence changes on RNA splicing suggest that this variant is not likely to affect RNA splicing. In summary, the available evidence is currently insufficient to determine the role of this variant in disease. Therefore, it has been classified as a Variant of Uncertain Significance.

Literature cited by the submitters: PubMed 17576681; PubMed 9536098.

NM_000182.5(HADHA):c.1393-3C>T

Genes: HADHA (hydroxyacyl-CoA dehydrogenase trifunctional multienzyme complex subunit alpha; minus strand), GAREM2 (GRB2 associated regulator of MAPK1 subtype 2; plus strand). Cytogenetic location: 2p23.3.
Variant type: single nucleotide variant.
Coding change: c.1393-3C>T on transcript NM_000182.5 (MANE Select); 3 bases into the intron before coding-DNA position 1393, C replaced by T.
Molecular consequence: intron variant.
Genome position (GRCh38, 1-based): chr2:26,197,780, G>A on the plus strand (C>T on the coding strand, the complement: HADHA is on the minus strand). VCF-style: chr2-26197780-G-A. GRCh37 (hg19) VCF-style: chr2-26420649-G-A.
Identifiers: ClinVar variation 2200648 (VCV002200648.1), dbSNP rs2465524950, ClinGen allele CA2580066182.